The following is an entry in ClinVar:

NM_001852.4(COL9A2):c.863G>T (p.Arg288Leu)

Gene: COL9A2 (collagen type IX alpha 2 chain; minus strand). Cytogenetic location: 1p34.2.
Variant type: single nucleotide variant.
Coding change: c.863G>T on transcript NM_001852.4 (MANE Select); coding-DNA position 863, G replaced by T.
Protein change: p.Arg288Leu; replaces arginine 288 with leucine.
Molecular consequence: missense variant.
Genome position (GRCh38, 1-based): chr1:40,308,229, C>A on the plus strand (G>T on the coding strand, the complement: COL9A2 is on the minus strand). VCF-style: chr1-40308229-C-A. GRCh37 (hg19) VCF-style: chr1-40773901-C-A.
Other names: short protein forms R288L.
Identifiers: ClinVar variation 3632939 (VCV003632939.3).

ClinVar aggregate classification (germline): Uncertain significance. Review status: criteria provided, multiple submitters, no conflicts (2 of 4 stars). 2 submissions from 2 submitters: Uncertain significance (2). Last evaluated 2025-08-08.

Submissions (2):

Labcorp Genetics (formerly Invitae), Labcorp
Classification: Uncertain significance. Last evaluated: 2025-08-08. Review status: criteria provided, single submitter. Criteria: Invitae Variant Classification Sherloc (09022015). Collection method: clinical testing. Allele origin: germline.
Comment: This sequence change replaces arginine, which is basic and polar, with leucine, which is neutral and non-polar, at codon 288 of the COL9A2 protein (p.Arg288Leu). This variant is present in population databases (no rsID available, gnomAD 0.0009%). This variant has not been reported in the literature in individuals affected with COL9A2-related conditions. ClinVar contains an entry for this variant (Variation ID: 3632939). Invitae Evidence Modeling of protein sequence and biophysical properties (such as structural, functional, and spatial information, amino acid conservation, physicochemical variation, residue mobility, and thermodynamic stability) indicates that this missense variant is not expected to disrupt COL9A2 protein function with a negative predictive value of 95%. In summary, the available evidence is currently insufficient to determine the role of this variant in disease. Therefore, it has been classified as a Variant of Uncertain Significance.

Blueprint Genetics
Classification: Uncertain significance. Last evaluated: 2022-11-21. Review status: criteria provided, single submitter. Criteria: ACMG Guidelines, 2015. Collection method: clinical testing. Allele origin: germline.